The following is an entry in ClinVar:

ClinVar aggregate classification (germline): Likely benign. Review status: criteria provided, multiple submitters, no conflicts (2 of 4 stars). 4 submissions from 4 submitters: Likely benign (4). Last evaluated 2026-01-13.

Conditions:
Inborn genetic diseases. Identifiers: MedGen C0950123, MeSH D030342.
Autosomal dominant childhood-onset proximal spinal muscular atrophy with contractures (SMALED2A). Also called: SPINAL MUSCULAR ATROPHY, LOWER EXTREMITY-PREDOMINANT, 2A, CHILDHOOD ONSET, AUTOSOMAL DOMINANT; Spinal muscular atrophy, lower extremity-predominant, 2A, autosomal dominant. Identifiers: Orphanet 363447, Orphanet 363454, MedGen C4747715, MONDO:0014121, OMIM 615290.

Allele frequency attached by ClinVar (database versions not stated): TOPMed 0.00012; gnomAD 0.00014; ESP Exome Variant Server 0.00015; 1000 Genomes Project 30x 0.00016; gnomAD exomes 0.00016 and 0.00022; ExAC 0.00017; 1000 Genomes Project 0.00020.

Submissions (4):

Labcorp Genetics (formerly Invitae), Labcorp
Classification: Likely benign for Autosomal dominant childhood-onset proximal spinal muscular atrophy with contractures. Last evaluated: 2026-01-13. Review status: criteria provided, single submitter. Criteria: Invitae Variant Classification Sherloc (09022015). Collection method: clinical testing. Allele origin: germline.

Mayo Clinic Laboratories, Mayo Clinic
Classification: Likely benign. Last evaluated: 2025-03-18. Review status: criteria provided, single submitter. Criteria: ACMG Guidelines, 2015. Collection method: clinical testing. Allele origin: germline. Observed: 1 variant allele.
Comment: BS2

GeneDx
Classification: Likely benign. Last evaluated: 2021-02-04. Review status: criteria provided, single submitter. Criteria: GeneDx Variant Classification Process June 2021. Collection method: clinical testing. Allele origin: germline. Affected: yes.

Ambry Genetics
Classification: Likely benign for Inborn genetic diseases. Last evaluated: 2019-10-31. Review status: criteria provided, single submitter. Criteria: Ambry Variant Classification Scheme 2023. Collection method: clinical testing. Allele origin: germline.

NM_001003800.2(BICD2):c.1250A>G (p.Asp417Gly)

Gene: BICD2 (BICD cargo adaptor 2; minus strand). Cytogenetic location: 9q22.31.
Variant type: single nucleotide variant.
Coding change: c.1250A>G on transcript NM_001003800.2 (MANE Select); coding-DNA position 1250, A replaced by G.
Protein change: p.Asp417Gly; replaces aspartic acid 417 with glycine.
Molecular consequence: missense variant.
Genome position (GRCh38, 1-based): chr9:92,719,395, T>C on the plus strand (A>G on the coding strand, the complement: BICD2 is on the minus strand). VCF-style: chr9-92719395-T-C. GRCh37 (hg19) VCF-style: chr9-95481677-T-C.
Other names: p.Asp417Gly; c.1250A>G, p.Asp417Gly (NM_015250.4); short protein forms D417G.
Identifiers: ClinVar variation 392957 (VCV000392957.18), dbSNP rs55658812, ClinGen allele CA5126598.
Genomic context (GRCh38, chr9:92,719,395, plus strand): 5'-CAGGCCAAGATCTCAGGCCCGTTGATGTCCACCTCGTAGTAGTCCCCATCCTCATGGCTG[T>C]CACGGTCCTTCTCGTTGTCCAGGGCTGTCTGCCGCTCCTTGCTGGCCTGCAGGCGCCGCA-3'
Protein context (NP_001003800.1, residues 407-427): QTALDNEKDR[Asp417Gly]SHEDGDYYEV